The following is an entry in ClinVar:

NM_001903.5(CTNNA1):c.419T>G (p.Ile140Ser)

Gene: CTNNA1 (catenin alpha 1; plus strand). Cytogenetic location: 5q31.2.
Variant type: single nucleotide variant.
Coding change: c.419T>G on transcript NM_001903.5 (MANE Select); coding-DNA position 419, T replaced by G.
Protein change: p.Ile140Ser; replaces isoleucine 140 with serine.
Molecular consequence: missense variant.
Genome position (GRCh38, 1-based): chr5:138,810,155, T>G. VCF-style: chr5-138810155-T-G. GRCh37 (hg19) VCF-style: chr5-138145844-T-G.
Other names: c.419T>G, p.Ile140Ser (NM_001290307.3, NM_001323982.2, NM_001323983.1 and 3 more transcripts); c.110T>G, p.Ile37Ser (NM_001290309.3); c.50T>G, p.Ile17Ser (NM_001290310.3); short protein forms I17S, I140S, I37S.
Identifiers: ClinVar variation 3498224 (VCV003498224.1).

ClinVar aggregate classification (germline): Uncertain significance (1 of 4 stars; one submission).

Conditions:
Hereditary cancer-predisposing syndrome. Also called: Tumor predisposition; Neoplastic Syndromes, Hereditary; Hereditary Cancer Syndrome; Hereditary neoplastic syndrome. Identifiers: Orphanet 140162, MedGen C0027672, MeSH D009386, MONDO:0015356.

Submission:

Ambry Genetics
Classification: Uncertain significance for Hereditary cancer-predisposing syndrome. Last evaluated: 2024-08-15. Review status: criteria provided, single submitter. Criteria: Ambry Variant Classification Scheme 2023. Collection method: clinical testing. Allele origin: germline.
Comment: The p.I140S variant (also known as c.419T>G), located in coding exon 3 of the CTNNA1 gene, results from a T to G substitution at nucleotide position 419. The isoleucine at codon 140 is replaced by serine, an amino acid with dissimilar properties. This amino acid position is conserved. In addition, the in silico prediction for this alteration is inconclusive. Based on the available evidence, the clinical significance of this variant remains unclear.